The following is an entry in ClinVar:

ClinVar aggregate classification (germline): Uncertain significance. Review status: criteria provided, multiple submitters, no conflicts (2 of 4 stars). 3 submissions from 3 submitters: Uncertain significance (3). Last evaluated 2025-05-21.

Conditions:
Hereditary nonpolyposis colorectal neoplasms. Identifiers: MedGen C0009405, MeSH D003123.
Hereditary cancer-predisposing syndrome. Also called: Neoplastic Syndromes, Hereditary; Tumor predisposition; Hereditary Cancer Syndrome; Hereditary neoplastic syndrome. Identifiers: Orphanet 140162, MedGen C0027672, MeSH D009386, MONDO:0015356.

Allele frequency attached by ClinVar (database versions not stated): gnomAD exomes below 0.00001.
gnomAD v4.1: 3 of 1,612,972 alleles (0.00019%); highest among the groups gnomAD compares: Non-Finnish European, 0.00017%; no homozygotes.

Submissions (3):

Labcorp Genetics (formerly Invitae), Labcorp
Classification: Uncertain significance for Hereditary nonpolyposis colorectal neoplasms. Last evaluated: 2025-05-21. Review status: criteria provided, single submitter. Criteria: Invitae Variant Classification Sherloc (09022015). Collection method: clinical testing. Allele origin: germline.
Comment: This sequence change replaces aspartic acid, which is acidic and polar, with asparagine, which is neutral and polar, at codon 839 of the MSH6 protein (p.Asp839Asn). This variant is not present in population databases (gnomAD no frequency). This variant has not been reported in the literature in individuals affected with MSH6-related conditions. ClinVar contains an entry for this variant (Variation ID: 525675). Invitae Evidence Modeling of protein sequence and biophysical properties (such as structural, functional, and spatial information, amino acid conservation, physicochemical variation, residue mobility, and thermodynamic stability) has been performed for this missense variant. However, the output from this modeling did not meet the statistical confidence thresholds required to predict the impact of this variant on MSH6 protein function. In summary, the available evidence is currently insufficient to determine the role of this variant in disease. Therefore, it has been classified as a Variant of Uncertain Significance.

Color Diagnostics, LLC DBA Color Health
Classification: Uncertain significance for Hereditary cancer-predisposing syndrome. Last evaluated: 2024-03-06. Review status: criteria provided, single submitter. Criteria: ACMG Guidelines, 2015. Collection method: clinical testing. Allele origin: germline.
Comment: This missense variant replaces aspartic acid with asparagine at codon 839 of the MSH6 protein. Computational prediction is inconclusive regarding the impact of this variant on protein structure and function (internally defined REVEL score threshold 0.5 < inconclusive < 0.7, PMID: 27666373). To our knowledge, functional studies have not been reported for this variant. This variant has not been reported in individuals affected with hereditary cancer in the literature. This variant has not been identified in the general population by the Genome Aggregation Database (gnomAD). The available evidence is insufficient to determine the role of this variant in disease conclusively. Therefore, this variant is classified as a Variant of Uncertain Significance.

Ambry Genetics
Classification: Uncertain significance for Hereditary cancer-predisposing syndrome. Last evaluated: 2024-02-13. Review status: criteria provided, single submitter. Criteria: Ambry Variant Classification Scheme 2023. Collection method: clinical testing. Allele origin: germline.
Comment: The p.D839N variant (also known as c.2515G>A), located in coding exon 4 of the MSH6 gene, results from a G to A substitution at nucleotide position 2515. The aspartic acid at codon 839 is replaced by asparagine, an amino acid with highly similar properties. This amino acid position is highly conserved in available vertebrate species. In addition, the in silico prediction for this alteration is inconclusive. Based on the available evidence, the clinical significance of this alteration remains unclear.

NM_000179.3(MSH6):c.2515G>A (p.Asp839Asn)

Gene: MSH6 (mutS homolog 6; plus strand). Cytogenetic location: 2p16.3.
Variant type: single nucleotide variant.
Coding change: c.2515G>A on transcript NM_000179.3 (MANE Select); coding-DNA position 2515, G replaced by A.
Protein change: p.Asp839Asn; replaces aspartic acid 839 with asparagine.
Molecular consequence: missense variant.
Genome position (GRCh38, 1-based): chr2:47,800,498, G>A. VCF-style: chr2-47800498-G-A. GRCh37 (hg19) VCF-style: chr2-48027637-G-A.
Other names: c.2125G>A, p.Asp709Asn (NM_001281492.2); c.1609G>A, p.Asp537Asn (NM_001281493.2, NM_001281494.2); short protein forms D839N, D709N, D537N.
Identifiers: ClinVar variation 525675 (VCV000525675.15), dbSNP rs1553413868, ClinGen allele CA346754333.
Genomic context (GRCh38, chr2:47,800,498, plus strand): 5'-GAGAGGCTACTCAGTAAAATTCATAATGTTGGGTCTCCCCTGAAGAGTCAGAACCACCCA[G>A]ACAGCAGGGCTATAATGTATGAAGAAACTACATACAGCAAGAAGAAGATTATTGATTTTC-3'
Protein context (NP_000170.1, residues 829-849): GSPLKSQNHP[Asp839Asn]SRAIMYEETT